The following is an entry in ClinVar:

NM_001378454.1(ALMS1):c.3731A>T (p.Lys1244Met)

Gene: ALMS1 (ALMS1 centrosome and basal body associated protein; plus strand). Cytogenetic location: 2p13.1.
Variant type: single nucleotide variant.
Coding change: c.3731A>T on transcript NM_001378454.1 (MANE Select); coding-DNA position 3731, A replaced by T.
Protein change: p.Lys1244Met; replaces lysine 1244 with methionine.
Molecular consequence: missense variant.
Genome position (GRCh38, 1-based): chr2:73,450,258, A>T. VCF-style: chr2-73450258-A-T. GRCh37 (hg19) VCF-style: chr2-73677385-A-T.
Other names: c.3734A>T, p.Lys1245Met (NM_015120.4); short protein forms K1245M, K1244M.
Identifiers: ClinVar variation 929989 (VCV000929989.4), dbSNP rs1671903375, ClinGen allele CA347276404.

ClinVar aggregate classification (germline): Uncertain significance (1 of 4 stars; one submission).

Submission:

Laboratory for Molecular Medicine, Mass General Brigham Personalized Medicine
Classification: Uncertain significance. Last evaluated: 2019-05-02. Review status: criteria provided, single submitter. Criteria: LMM Criteria. Collection method: clinical testing. Allele origin: germline. Observed: 1 variant allele.
Comment: The p.Lys1245Met variant in ALMS1 has not been previously reported in individuals with hearing loss or Alstrom syndrome, and was absent from large population studies. Computational prediction tools and conservation analysis do not provide strong support for or against an impact to the protein. In summary, the clinical significance of this variant is uncertain. ACMG/AMP Criteria applied: PM2.